The following is an entry in ClinVar:

NM_022552.5(DNMT3A):c.1669T>C (p.Cys557Arg)

Gene: DNMT3A (DNA methyltransferase 3 alpha; minus strand). Cytogenetic location: 2p23.3.
Variant type: single nucleotide variant.
Coding change: c.1669T>C on transcript NM_022552.5 (MANE Select); coding-DNA position 1669, T replaced by C.
Protein change: p.Cys557Arg; replaces cysteine 557 with arginine.
Molecular consequence: missense variant. On other transcripts: non-coding transcript variant (1).
Genome position (GRCh38, 1-based): chr2:25,244,337, A>G on the plus strand (T>C on the coding strand, the complement: DNMT3A is on the minus strand). VCF-style: chr2-25244337-A-G. GRCh37 (hg19) VCF-style: chr2-25467206-A-G.
Other names: c.1213T>C, p.Cys405Arg (NM_001320893.1); c.1000T>C, p.Cys334Arg (NM_001375819.1); c.1102T>C, p.Cys368Arg (NM_153759.3); c.1669T>C, p.Cys557Arg (NM_175629.2); short protein forms C334R, C368R, C405R, C557R.
Identifiers: ClinVar variation 3254982 (VCV003254982.2), dbSNP rs760791871.

ClinVar aggregate classification (germline): Likely pathogenic (1 of 4 stars; one submission).

Conditions:
Tatton-Brown-Rahman overgrowth syndrome. Also called: Tatton-Brown-Rahman syndrome; Tall stature-intellectual disability-facial dysmorphism syndrome. Identifiers: Orphanet 404443, MedGen C4014545, MONDO:0014382, OMIM 615879.

gnomAD v4.1: 1 of 1,601,926 alleles (0.000062%); no homozygotes.

Submission:

Victorian Clinical Genetics Services, Murdoch Childrens Research Institute
Classification: Likely pathogenic for Tatton-Brown-Rahman overgrowth syndrome. Last evaluated: 2024-09-20. Review status: criteria provided, single submitter. Criteria: ACMG Guidelines, 2015. Collection method: clinical testing. Allele origin: germline. Inheritance: Autosomal dominant inheritance. Affected: yes.
Comment: Based on the classification scheme VCGS_Germline_v1.3.4, this variant is classified as Likely Pathogenic. Following criteria are met: 0103 - Loss of function and gain of function are known mechanisms of disease in this gene and are associated with disease. Loss of function has been associated with Tatton-Brown-Rahman syndrome (MIM#615879), while gain of function has been associated with Heyn-Sproul-Jackson syndrome (MIM#618724) and demonstrated for two missense variants (PMID: 30478443). (I) 0107 - This gene is associated with autosomal dominant disease. (I) 0200 - Variant is predicted to result in a missense amino acid change from cysteine to arginine. (I) 0251 - This variant is heterozygous. (I) 0301 - Variant is absent from gnomAD (both v2 and v3). (SP) 0309 - An alternative amino acid change at the same position has been observed in gnomAD (v3) (1 heterozygote, 0 homozygotes). (I) 0501 - Missense variant consistently predicted to be damaging by multiple in silico tools or highly conserved with a major amino acid change. (SP) 0600 - Variant is located in the annotated ADD domain (PMID: 34092059). (I) 0704 - Another missense variant comparable to the one identified in this case has limited previous evidence for pathogenicity. p.(Cys557Gly) has been observed in two individuals with Tatton-Brown-Rahman syndrome, with one reported as de novo (PMID: 34092059, PMID: 37872275). (SP) 0807 - This variant has no previous evidence of pathogenicity. (I) 0905 - No published segregation evidence has been identified for this variant. (I) 1007 - No published functional evidence has been identified for this variant. (SP) Legend: (SP) - Supporting pathogenic, (I) - Information, (SB) - Supporting benign

Literature cited by the submitters: PubMed 30478443; PubMed 34092059; PubMed 37872275.